The following is an entry in ClinVar:

ClinVar aggregate classification (germline): Uncertain significance (1 of 4 stars; one submission).

Conditions:
Dyskeratosis congenita. Identifiers: Orphanet 1775, MedGen C0265965, MONDO:0015780.

Submission:

Ambry Genetics
Classification: Uncertain significance for Dyskeratosis congenita. Last evaluated: 2022-03-03. Review status: criteria provided, single submitter. Criteria: Ambry Variant Classification Scheme 2023. Collection method: clinical testing. Allele origin: germline.
Comment: The p.H534Y variant (also known as c.1600C>T), located in coding exon 3 of the TERT gene, results from a C to T substitution at nucleotide position 1600. The histidine at codon 534 is replaced by tyrosine, an amino acid with similar properties. This amino acid position is conserved. In addition, the in silico prediction for this alteration is inconclusive. Since supporting evidence is limited at this time, the clinical significance of this alteration remains unclear.

NM_198253.3(TERT):c.1600C>T (p.His534Tyr)

Gene: TERT (telomerase reverse transcriptase; minus strand). Cytogenetic location: 5p15.33.
Variant type: single nucleotide variant.
Coding change: c.1600C>T on transcript NM_198253.3 (MANE Select); coding-DNA position 1600, C replaced by T.
Protein change: p.His534Tyr; replaces histidine 534 with tyrosine.
Molecular consequence: missense variant. On other transcripts: non-coding transcript variant (2).
Genome position (GRCh38, 1-based): chr5:1,282,598, G>A on the plus strand (C>T on the coding strand, the complement: TERT is on the minus strand). VCF-style: chr5-1282598-G-A. GRCh37 (hg19) VCF-style: chr5-1282713-G-A.
Other names: c.1600C>T, p.His534Tyr (NM_001193376.3, NM_003219.1); short protein forms H534Y.
Identifiers: ClinVar variation 1776171 (VCV001776171.2), dbSNP rs2478306989, ClinGen allele CA359083534.
Genomic context (GRCh38, chr5:1,282,598, plus strand): 5'-CGACGTACACACTCATCAGCCAGTGCAGGAACTTGGCCAGGATCTCCTCACGCAGACGGT[G>A]CTCTGCGGCCGGAACACAGCCAACCCCTTAAACGAGAAGGACATGCCACATCCAGATCAC-3'
Protein context (NP_937983.2, residues 524-544): PGVGCVPAAE[His534Tyr]RLREEILAKF